The following is an entry in ClinVar:

ClinVar aggregate classification (germline): Uncertain significance (1 of 4 stars; one submission).

gnomAD v4.1: 1 of 1,614,110 alleles (0.000062%); highest among the groups gnomAD compares: Non-Finnish European, 0.000085%; no homozygotes.

Submission:

Ambry Genetics
Classification: Uncertain significance. Last evaluated: 2025-01-31. Review status: criteria provided, single submitter. Criteria: Ambry Variant Classification Scheme 2023. Collection method: clinical testing. Allele origin: germline.
Comment: The p.C784G variant (also known as c.2350T>G), located in coding exon 1 of the TET2 gene, results from a T to G substitution at nucleotide position 2350. The cysteine at codon 784 is replaced by glycine, an amino acid with highly dissimilar properties. This amino acid position is conserved. In addition, this alteration is predicted to be tolerated by in silico analysis. Based on the available evidence, the clinical significance of this variant remains unclear.

NM_001127208.3(TET2):c.2350T>G (p.Cys784Gly)

Genes: TET2 (tet methylcytosine dioxygenase 2; plus strand), TET2-AS1 (TET2 antisense RNA 1; minus strand). Cytogenetic location: 4q24.
Variant type: single nucleotide variant.
Coding change: c.2350T>G on transcript NM_001127208.3 (MANE Select); coding-DNA position 2350, T replaced by G.
Protein change: p.Cys784Gly; replaces cysteine 784 with glycine.
Molecular consequence: missense variant.
Genome position (GRCh38, 1-based): chr4:105,236,292, T>G. VCF-style: chr4-105236292-T-G. GRCh37 (hg19) VCF-style: chr4-106157449-T-G.
Other names: c.2350T>G, p.Cys784Gly (NM_017628.4); short protein forms C784G.
Identifiers: ClinVar variation 3806017 (VCV003806017.1).